The following is an entry in ClinVar:

ClinVar aggregate classification (germline): Benign/Likely benign. Review status: criteria provided, multiple submitters, no conflicts (2 of 4 stars). 4 submissions from 4 submitters: Benign (1); Likely benign (3). Last evaluated 2025-05-01.

Conditions:
Hereditary diffuse gastric adenocarcinoma (HDGC). Also called: DIFFUSE GASTRIC AND LOBULAR BREAST CANCER SYNDROME. Identifiers: Orphanet 26106, MedGen C1708349, MONDO:0007648, OMIM 137215.
Hereditary cancer-predisposing syndrome. Also called: Neoplastic Syndromes, Hereditary; Tumor predisposition; Hereditary neoplastic syndrome; Hereditary Cancer Syndrome. Identifiers: Orphanet 140162, MedGen C0027672, MeSH D009386, MONDO:0015356.

gnomAD v4.1: 3 of 1,614,102 alleles (0.00019%); highest among the groups gnomAD compares: Non-Finnish European, 0.00025%; no homozygotes.

Submissions (4):

CeGaT Center for Human Genetics Tuebingen
Classification: Likely benign. Last evaluated: 2025-05-01. Review status: criteria provided, single submitter. Criteria: CeGaT Center For Human Genetics Tuebingen Variant Classification Criteria Version 2. Collection method: clinical testing. Allele origin: germline. Affected: yes. Observed: 1 variant allele.
Comment: CTNNA1: BP4, BP7

Labcorp Genetics (formerly Invitae), Labcorp
Classification: Likely benign. Last evaluated: 2024-10-21. Review status: criteria provided, single submitter. Criteria: Invitae Variant Classification Sherloc (09022015). Collection method: clinical testing. Allele origin: germline.

Myriad Genetics, Inc.
Classification: Benign for Hereditary diffuse gastric adenocarcinoma. Last evaluated: 2024-10-09. Review status: criteria provided, single submitter. Criteria: Myriad Autosomal Dominant, Autosomal Recessive and X-Linked Classification Criteria (2023). Collection method: clinical testing. Allele origin: unknown.
Comment: This variant is considered benign. This variant is a silent/synonymous amino acid change and it is not expected to impact splicing.

Ambry Genetics
Classification: Likely benign for Hereditary cancer-predisposing syndrome. Last evaluated: 2021-02-08. Review status: criteria provided, single submitter. Criteria: Ambry Variant Classification Scheme 2023. Collection method: clinical testing. Allele origin: germline.

NM_001903.5(CTNNA1):c.240G>T (p.Ala80=)

Gene: CTNNA1 (catenin alpha 1; plus strand). Cytogenetic location: 5q31.2.
Variant type: single nucleotide variant.
Coding change: c.240G>T on transcript NM_001903.5 (MANE Select); coding-DNA position 240, G replaced by T.
Protein change: p.Ala80=; no amino-acid change (alanine 80 retained).
Molecular consequence: synonymous variant. On other transcripts: intron variant (2).
Genome position (GRCh38, 1-based): chr5:138,783,311, G>T. VCF-style: chr5-138783311-G-T. GRCh37 (hg19) VCF-style: chr5-138119000-G-T.
Other names: c.240G>T, p.Ala80= (NM_001323982.2, NM_001323983.1, NM_001323984.2 and 3 more transcripts); c.-6+39G>T (NM_001290310.3); c.-9+1282G>T (NM_001290309.3).
Identifiers: ClinVar variation 1089423 (VCV001089423.22), dbSNP rs1059014, ClinGen allele CA446725140.